The following is an entry in ClinVar:

ClinVar aggregate classification (germline): Uncertain significance (1 of 4 stars; one submission).

Allele frequency attached by ClinVar (database versions not stated): gnomAD exomes below 0.00001; gnomAD 0.00001; TOPMed 0.00002.
gnomAD v4.1: 3 of 1,613,584 alleles (0.00019%); highest among the groups gnomAD compares: African/African-American, 0.004%; no homozygotes.

Submission:

Labcorp Genetics (formerly Invitae), Labcorp
Classification: Uncertain significance. Last evaluated: 2022-03-11. Review status: criteria provided, single submitter. Criteria: Invitae Variant Classification Sherloc (09022015). Collection method: clinical testing. Allele origin: germline.
Comment: In summary, the available evidence is currently insufficient to determine the role of this variant in disease. Therefore, it has been classified as a Variant of Uncertain Significance. Algorithms developed to predict the effect of missense changes on protein structure and function (SIFT, PolyPhen-2, Align-GVGD) all suggest that this variant is likely to be disruptive. This variant has not been reported in the literature in individuals affected with FAT1-related conditions. This variant is not present in population databases (gnomAD no frequency). This sequence change replaces histidine, which is basic and polar, with aspartic acid, which is acidic and polar, at codon 4281 of the FAT1 protein (p.His4281Asp).

NM_005245.4(FAT1):c.12841C>G (p.His4281Asp)

Gene: FAT1 (FAT atypical cadherin 1; minus strand). Cytogenetic location: 4q35.2.
Variant type: single nucleotide variant.
Coding change: c.12841C>G on transcript NM_005245.4 (MANE Select); coding-DNA position 12841, C replaced by G.
Protein change: p.His4281Asp; replaces histidine 4281 with aspartic acid.
Molecular consequence: missense variant.
Genome position (GRCh38, 1-based): chr4:186,596,699, G>C on the plus strand (C>G on the coding strand, the complement: FAT1 is on the minus strand). VCF-style: chr4-186596699-G-C. GRCh37 (hg19) VCF-style: chr4-187517853-G-C.
Other names: short protein forms H4281D.
Identifiers: ClinVar variation 1935578 (VCV001935578.5), dbSNP rs950880142, ClinGen allele CA112153027.
Genomic context (GRCh38, chr4:186,596,699, plus strand): 5'-CCGCCACTGCTTTTCGGTGCCCGTGCACAGACTCGGGGTTAAAAGTGCTGAATTCGGGAT[G>C]CTCTGGGATAGCAGATCCTTCGAAGGAATTTCGGTCCAGATTGTTTCTTGAGTCACTTGG-3'
Protein context (NP_005236.2, residues 4271-4291): NSFEGSAIPE[His4281Asp]PEFSTFNPES